The following is an entry in ClinVar:

ClinVar aggregate classification (germline): Uncertain significance (1 of 4 stars; one submission).

Conditions:
Long QT syndrome (LQTS). Identifiers: MedGen C0023976, MeSH D008133, MONDO:0002442. Disease mechanism: loss of function. Inheritance: Various modes of inheritance.

Submission:

Labcorp Genetics (formerly Invitae), Labcorp
Classification: Uncertain significance for Long QT syndrome. Last evaluated: 2025-06-12. Review status: criteria provided, single submitter. Criteria: Invitae Variant Classification Sherloc (09022015). Collection method: clinical testing. Allele origin: germline.
Comment: This sequence change replaces proline, which is neutral and non-polar, with arginine, which is basic and polar, at codon 1868 of the ANK2 protein (p.Pro1868Arg). This variant is not present in population databases (gnomAD no frequency). This variant has not been reported in the literature in individuals affected with ANK2-related conditions. ClinVar contains an entry for this variant (Variation ID: 2724226). An algorithm developed to predict the effect of missense changes on protein structure and function (PolyPhen-2) suggests that this variant is likely to be disruptive. In summary, the available evidence is currently insufficient to determine the role of this variant in disease. Therefore, it has been classified as a Variant of Uncertain Significance.

NM_001148.6(ANK2):c.5603C>G (p.Pro1868Arg)

Genes: ANK2 (ankyrin 2; plus strand), LOC126807136 (MED14-independent group 3 enhancer GRCh37_chr4:114274931-114276130; plus strand). Cytogenetic location: 4q26.
Variant type: single nucleotide variant.
Coding change: c.5603C>G on transcript NM_001148.6 (MANE Select); coding-DNA position 5603, C replaced by G.
Protein change: p.Pro1868Arg; replaces proline 1868 with arginine.
Molecular consequence: missense variant. On other transcripts: intron variant (68).
Genome position (GRCh38, 1-based): chr4:113,354,221, C>G. VCF-style: chr4-113354221-C-G. GRCh37 (hg19) VCF-style: chr4-114275377-C-G.
Other names: c.5369C>G, p.Pro1790Arg (NM_001386142.1); c.2003C>G, p.Pro668Arg (NM_001386166.1); c.5744C>G, p.Pro1915Arg (NM_001386174.1); c.5720C>G, p.Pro1907Arg (NM_001386175.1); c.4411+3972C>G (NM_001386186.2, NM_001386148.2); c.4213+3972C>G (NM_001354269.3); c.4291+3972C>G (NM_001386187.2); c.4252+3972C>G (NM_001386147.1); and 35 more; short protein forms P1868R, P1915R, P1790R, P668R, P1907R.
Identifiers: ClinVar variation 2724226 (VCV002724226.3), dbSNP rs2505399817, ClinGen allele CA357920440.